The following is an entry in ClinVar:

ClinVar aggregate classification (germline): Pathogenic (1 of 4 stars; one submission).

Conditions:
Peroxisome biogenesis disorder 5A (Zellweger) (PBD5A). Identifiers: Orphanet 912, MedGen C3553940, MONDO:0013932, OMIM 614866.

Submission:

Labcorp Genetics (formerly Invitae), Labcorp
Classification: Pathogenic for Peroxisome biogenesis disorder 5A (Zellweger). Last evaluated: 2018-12-18. Review status: criteria provided, single submitter. Criteria: Invitae Variant Classification Sherloc (09022015). Collection method: clinical testing. Allele origin: germline.
Comment: This variant is not present in population databases (ExAC no frequency). For these reasons, this variant has been classified as Pathogenic. This variant disrupts the C-terminus of the PEX2 protein. Other variant(s) that disrupt this region (p.Arg184Valfs*8) have been determined to be pathogenic (PMID: 10652207). This suggests that variants that disrupt this region of the protein are likely to be causative of disease. Experimental studies and prediction algorithms are not available for this variant, and the functional significance of the affected amino acid(s) is currently unknown. This variant has not been reported in the literature in individuals with PEX2-related conditions. This sequence change results in a premature translational stop signal in the PEX2 gene (p.Leu166*). While this is not anticipated to result in nonsense mediated decay, it is expected to disrupt the last 140 amino acids of the PEX2 protein.

Literature cited by the submitters: PubMed 10652207.

NM_000318.3(PEX2):c.497T>A (p.Leu166Ter)

Gene: PEX2 (peroxisomal biogenesis factor 2; minus strand). Cytogenetic location: 8q21.13.
Variant type: single nucleotide variant.
Coding change: c.497T>A on transcript NM_000318.3 (MANE Select); coding-DNA position 497, T replaced by A.
Protein change: p.Leu166Ter; replaces leucine 166 with a stop codon.
Molecular consequence: nonsense.
Genome position (GRCh38, 1-based): chr8:76,983,682, A>T on the plus strand (T>A on the coding strand, the complement: PEX2 is on the minus strand). VCF-style: chr8-76983682-A-T. GRCh37 (hg19) VCF-style: chr8-77895918-A-T.
Other names: c.497T>A, p.Leu166Ter (NM_001079867.2, NM_001172086.2, NM_001172087.2); short protein forms L166*.
Identifiers: ClinVar variation 662902 (VCV000662902.8), dbSNP rs1586069639, ClinGen allele CA371557216.